The following is an entry in ClinVar:

ClinVar aggregate classification (germline): Uncertain significance (1 of 4 stars; one submission).

Conditions:
Inborn genetic diseases. Identifiers: MedGen C0950123, MeSH D030342.

gnomAD v4.1: 4 of 1,613,296 alleles (0.00025%); highest among the groups gnomAD compares: East Asian, 0.0067%; no homozygotes.

Submission:

Ambry Genetics
Classification: Uncertain significance for Inborn genetic diseases. Last evaluated: 2026-04-26. Review status: criteria provided, single submitter. Criteria: Ambry Variant Classification Scheme 2023. Collection method: clinical testing. Allele origin: germline.
Comment: The p.L921F variant (also known as c.2761C>T), located in coding exon 1 of the SAMD9L gene, results from a C to T substitution at nucleotide position 2761. The leucine at codon 921 is replaced by phenylalanine, an amino acid with highly similar properties. This amino acid position is conserved. In addition, this alteration is predicted to be tolerated by in silico analysis. Based on the available evidence, the clinical significance of this variant remains unclear.

NM_152703.5(SAMD9L):c.2761C>T (p.Leu921Phe)

Gene: SAMD9L (sterile alpha motif domain containing 9 like; minus strand). Cytogenetic location: 7q21.2.
Variant type: single nucleotide variant.
Coding change: c.2761C>T on transcript NM_152703.5 (MANE Select); coding-DNA position 2761, C replaced by T.
Protein change: p.Leu921Phe; replaces leucine 921 with phenylalanine.
Molecular consequence: missense variant.
Genome position (GRCh38, 1-based): chr7:93,133,211, G>A on the plus strand (C>T on the coding strand, the complement: SAMD9L is on the minus strand). VCF-style: chr7-93133211-G-A. GRCh37 (hg19) VCF-style: chr7-92762524-G-A.
Other names: c.2761C>T, p.Leu921Phe (NM_001303497.3, NM_001303498.3, NM_001303500.3 and 5 more transcripts); short protein forms L921F.
Identifiers: ClinVar variation 4863966 (VCV004863966.1).